The following is an entry in ClinVar:

ClinVar aggregate classification (germline): Likely pathogenic. Review status: criteria provided, single submitter (1 of 4 stars). 2 submissions from 2 submitters: Likely pathogenic (1). 1 of the submissions does not count toward it. Last evaluated 2022-12-09.

Conditions:
LETM1-associated clinical spectrum with predominant nervous system involvement.

Allele frequency attached by ClinVar (database versions not stated): gnomAD exomes below 0.00001.
gnomAD v4.1: 2 of 1,612,306 alleles (0.00012%); highest among the groups gnomAD compares: Non-Finnish European, 0.00017%; no homozygotes.

Submissions (2):

GeneDx
Classification: Likely pathogenic. Last evaluated: 2022-12-09. Review status: criteria provided, single submitter. Criteria: GeneDx Variant Classification Process June 2021. Collection method: clinical testing. Allele origin: germline. Affected: yes.
Comment: Published functional studies demonstrate that the p.(P300S) variant results in loss of function; Not observed at significant frequency in large population cohorts (gnomAD); In silico analysis supports that this missense variant does not alter protein structure/function; This variant is associated with the following publications: (PMID: 36055214)

Houlden Lab, UCL Institute of Neurology
Classification: Pathogenic for LETM1-associated clinical spectrum with predominant nervous system involvement. Review status: no assertion criteria provided. Collection method: clinical testing. Allele origin: germline. Inheritance: Autosomal recessive inheritance. Affected: yes. Observed: 3 homozygotes. Not counted in ClinVar's aggregate classification.

NM_012318.3(LETM1):c.898C>T (p.Pro300Ser)

Gene: LETM1 (leucine zipper and EF-hand containing transmembrane protein 1; minus strand). Cytogenetic location: 4p16.3.
Variant type: single nucleotide variant.
Coding change: c.898C>T on transcript NM_012318.3 (MANE Select); coding-DNA position 898, C replaced by T.
Protein change: p.Pro300Ser; replaces proline 300 with serine.
Molecular consequence: missense variant.
Genome position (GRCh38, 1-based): chr4:1,832,926, G>A on the plus strand (C>T on the coding strand, the complement: LETM1 is on the minus strand). VCF-style: chr4-1832926-G-A. GRCh37 (hg19) VCF-style: chr4-1834653-G-A.
Other names: p.Pro300Ser; c.898C>T (NM_012318.2); short protein forms P300S.
Identifiers: ClinVar variation 1300217 (VCV001300217.2), dbSNP rs2108846393, ClinGen allele CA356004191.